The following is an entry in ClinVar:

ClinVar aggregate classification (germline): Pathogenic. Review status: criteria provided, multiple submitters, no conflicts (2 of 4 stars). 2 submissions from 2 submitters: Pathogenic (2). Last evaluated 2025-01-15.

Conditions:
Hereditary pulmonary alveolar proteinosis. Also called: Pulmonary surfactant metabolism dysfunction. Identifiers: Orphanet 264675, MedGen C3711368, MONDO:0012580.
Interstitial lung disease due to ABCA3 deficiency. Also called: PULMONARY ALVEOLAR PROTEINOSIS, CONGENITAL, 3. Identifiers: Orphanet 440402, MedGen C1970456, MONDO:0012582, OMIM 610921.

gnomAD v4.1: 2 of 1,614,078 alleles (0.00012%); highest among the groups gnomAD compares: Admixed American, 0.0017%; no homozygotes.

Submissions (2):

Myriad Genetics, Inc.
Classification: Pathogenic for Interstitial lung disease due to ABCA3 deficiency. Last evaluated: 2025-01-15. Review status: criteria provided, single submitter. Criteria: Myriad Autosomal Dominant, Autosomal Recessive and X-Linked Classification Criteria (2023). Collection method: clinical testing. Allele origin: unknown.
Comment: NM_001089.2(ABCA3):c.1455C>A(Y485*) is expected to be pathogenic in the context of surfactant deficiency, ABCA3-related. This variant is predicted to lead to an abnormal or absent protein product due to the creation of a premature termination codon in ABCA3, a gene where loss-of-function variants are known to be pathogenic. Please note: this variant was assessed in the context of healthy population screening.

Ambry Genetics
Classification: Pathogenic for Hereditary pulmonary alveolar proteinosis. Last evaluated: 2022-09-08. Review status: criteria provided, single submitter. Criteria: Ambry Variant Classification Scheme 2023. Collection method: clinical testing. Allele origin: germline.
Comment: The p.Y485* pathogenic mutation (also known as c.1455C>A), located in coding exon 9 of the ABCA3 gene, results from a C to A substitution at nucleotide position 1455. This changes the amino acid from a tyrosine to a stop codon within coding exon 9. This variant is considered to be rare based on population cohorts in the Genome Aggregation Database (gnomAD). This alteration is expected to result in loss of function by premature protein truncation or nonsense-mediated mRNA decay. As such, this alteration is interpreted as a disease-causing mutation.

NM_001089.3(ABCA3):c.1455C>A (p.Tyr485Ter)

Gene: ABCA3 (ATP binding cassette subfamily A member 3; minus strand). Cytogenetic location: 16p13.3.
Variant type: single nucleotide variant.
Coding change: c.1455C>A on transcript NM_001089.3 (MANE Select); coding-DNA position 1455, C replaced by A.
Protein change: p.Tyr485Ter; replaces tyrosine 485 with a stop codon.
Molecular consequence: nonsense.
Genome position (GRCh38, 1-based): chr16:2,303,981, G>T on the plus strand (C>A on the coding strand, the complement: ABCA3 is on the minus strand). VCF-style: chr16-2303981-G-T. GRCh37 (hg19) VCF-style: chr16-2353982-G-T.
Other names: short protein forms Y485*.
Identifiers: ClinVar variation 1773031 (VCV001773031.4), dbSNP rs1406324789, ClinGen allele CA394337108.